The following is an entry in ClinVar:

NM_201253.3(CRB1):c.3749+5G>A

Gene: CRB1 (crumbs cell polarity complex component 1; plus strand). Cytogenetic location: 1q31.3.
Variant type: single nucleotide variant.
Coding change: c.3749+5G>A on transcript NM_201253.3 (MANE Select); 5 bases into the intron after coding-DNA position 3749, G replaced by A.
Molecular consequence: intron variant.
Genome position (GRCh38, 1-based): chr1:197,435,617, G>A. VCF-style: chr1-197435617-G-A. GRCh37 (hg19) VCF-style: chr1-197404747-G-A.
Other names: c.3677+5G>A (NM_001257965.2); c.2141+5G>A (NM_001257966.2); c.3413+5G>A (NM_001193640.2); c.3749+5G>A (NM_201253.2).
Identifiers: ClinVar variation 2119998 (VCV002119998.5), dbSNP rs759214876, ClinGen allele CA1312385.

ClinVar aggregate classification (germline): Uncertain significance. Review status: criteria provided, single submitter (1 of 4 stars). 2 submissions from 2 submitters: Uncertain significance (1). 1 of the submissions does not count toward it. Last evaluated 2022-03-31.

Conditions:
Leber congenital amaurosis (LCA). Also called: Leber's amaurosis. Identifiers: Orphanet 65, MedGen C0339527, MeSH D057130, MONDO:0018998.
Leber congenital amaurosis 8 (LCA8). Identifiers: Orphanet 65, MedGen C3151202, MONDO:0013453, OMIM 613835.
Retinitis pigmentosa 12 (RP12). Also called: RP WITH OR WITHOUT PRESERVED PARAARTERIOLE RETINAL PIGMENT EPITHELIUM; RETINITIS PIGMENTOSA WITH OR WITHOUT PARAARTERIOLAR PRESERVATION OF RETINAL PIGMENT EPITHELIUM; RP WITH OR WITHOUT PPRPE. Identifiers: Orphanet 791, MedGen C1838647, MONDO:0010818, OMIM 600105.

Allele frequency attached by ClinVar (database versions not stated): gnomAD exomes below 0.00001; ExAC 0.00001; gnomAD 0.00001.
gnomAD v4.1: 2 of 1,608,872 alleles (0.00012%); highest among the groups gnomAD compares: East Asian, 0.0045%; no homozygotes.

Submissions (2):

Labcorp Genetics (formerly Invitae), Labcorp
Classification: Uncertain significance for Leber congenital amaurosis 8; Retinitis pigmentosa 12. Last evaluated: 2022-03-31. Review status: criteria provided, single submitter. Criteria: Invitae Variant Classification Sherloc (09022015). Collection method: clinical testing. Allele origin: germline.
Comment: In summary, the available evidence is currently insufficient to determine the role of this variant in disease. Therefore, it has been classified as a Variant of Uncertain Significance. Variants that disrupt the consensus splice site are a relatively common cause of aberrant splicing (PMID: 17576681, 9536098). Algorithms developed to predict the effect of sequence changes on RNA splicing suggest that this variant may disrupt the consensus splice site. This variant has not been reported in the literature in individuals affected with CRB1-related conditions. The frequency data for this variant in the population databases is considered unreliable, as metrics indicate poor data quality at this position in the gnomAD database. This sequence change falls in intron 9 of the CRB1 gene. It does not directly change the encoded amino acid sequence of the CRB1 protein. It affects a nucleotide within the consensus splice site.

Natera, Inc.
Classification: Uncertain significance for Leber congenital amaurosis. Last evaluated: 2025-03-15. Review status: no assertion criteria provided. Collection method: clinical testing. Allele origin: germline. Not counted in ClinVar's aggregate classification.

Literature cited by the submitters: PubMed 17576681 (cited by Labcorp Genetics (formerly Invitae), Labcorp); PubMed 9536098 (cited by Labcorp Genetics (formerly Invitae), Labcorp).